The following is an entry in ClinVar:

ClinVar aggregate classification (germline): Benign/Likely benign. Review status: criteria provided, multiple submitters, no conflicts (2 of 4 stars). 2 submissions from 2 submitters: Benign (1); Likely benign (1). Last evaluated 2025-05-18.

Allele frequency attached by ClinVar (database versions not stated): gnomAD 0.00001; gnomAD exomes 0.00001; TOPMed 0.00001.
gnomAD v4.1: 17 of 1,486,650 alleles (0.0011%); highest among the groups gnomAD compares: Middle Eastern, 0.018%; no homozygotes.

Submissions (2):

Labcorp Genetics (formerly Invitae), Labcorp
Classification: Benign. Last evaluated: 2025-05-18. Review status: criteria provided, single submitter. Criteria: Invitae Variant Classification Sherloc (09022015). Collection method: clinical testing. Allele origin: germline.

CeGaT Center for Human Genetics Tuebingen
Classification: Likely benign. Last evaluated: 2023-11-01. Review status: criteria provided, single submitter. Criteria: CeGaT Center For Human Genetics Tuebingen Variant Classification Criteria Version 2. Collection method: clinical testing. Allele origin: germline. Affected: yes. Observed: 2 variant alleles.
Comment: KMT2B: BP4, BP7

NM_014727.3(KMT2B):c.1440G>A (p.Ala480=)

Gene: KMT2B (lysine methyltransferase 2B; plus strand). Cytogenetic location: 19q13.12.
Variant type: single nucleotide variant.
Coding change: c.1440G>A on transcript NM_014727.3 (MANE Select); coding-DNA position 1440, G replaced by A.
Protein change: p.Ala480=; no amino-acid change (alanine 480 retained).
Molecular consequence: synonymous variant.
Genome position (GRCh38, 1-based): chr19:35,720,787, G>A. VCF-style: chr19-35720787-G-A. GRCh37 (hg19) VCF-style: chr19-36211689-G-A.
Identifiers: ClinVar variation 808517 (VCV000808517.43), dbSNP rs1008249304, ClinGen allele CA307782904.